The following is an entry in ClinVar:

ClinVar aggregate classification (germline): Uncertain significance (0 of 4 stars; one submission).

Conditions:
ALMS1-related disorder. Also called: ALMS1-related condition.

gnomAD v4.1: 1 of 1,613,870 alleles (0.000062%); highest among the groups gnomAD compares: South Asian, 0.0011%; no homozygotes.

Submission:

PreventionGenetics, part of Exact Sciences
Classification: Uncertain significance for ALMS1-related condition. Last evaluated: 2023-11-02. Review status: no assertion criteria provided. Collection method: clinical testing. Allele origin: germline.
Comment: The ALMS1 c.6349G>A variant is predicted to result in the amino acid substitution p.Val2117Met. To our knowledge, this variant has not been reported in the literature. This variant is reported in 0.0033% of alleles in individuals of South Asian descent in gnomAD. At this time, the clinical significance of this variant is uncertain due to the absence of conclusive functional and genetic evidence.

NM_001378454.1(ALMS1):c.6346G>A (p.Glu2116Lys)

Gene: ALMS1 (ALMS1 centrosome and basal body associated protein; plus strand). Cytogenetic location: 2p13.1.
Variant type: single nucleotide variant.
Coding change: c.6346G>A on transcript NM_001378454.1 (MANE Select); coding-DNA position 6346, G replaced by A.
Protein change: p.Glu2116Lys; replaces glutamic acid 2116 with lysine.
Molecular consequence: missense variant.
Genome position (GRCh38, 1-based): chr2:73,452,873, G>A. VCF-style: chr2-73452873-G-A. GRCh37 (hg19) VCF-style: chr2-73680000-G-A.
Other names: c.6349G>A, p.Glu2117Lys (NM_015120.4); short protein forms E2116K, E2117K.
Identifiers: ClinVar variation 3349032 (VCV003349032.1).